The following is an entry in ClinVar:

NM_004999.4(MYO6):c.1015C>T (p.Arg339Trp)

Gene: MYO6 (myosin VI; plus strand). Cytogenetic location: 6q14.1.
Variant type: single nucleotide variant.
Coding change: c.1015C>T on transcript NM_004999.4 (MANE Select); coding-DNA position 1015, C replaced by T.
Protein change: p.Arg339Trp; replaces arginine 339 with tryptophan.
Molecular consequence: missense variant. On other transcripts: non-coding transcript variant (1).
Genome position (GRCh38, 1-based): chr6:75,848,468, C>T. VCF-style: chr6-75848468-C-T. GRCh37 (hg19) VCF-style: chr6-76558185-C-T.
Other names: c.1015C>T, p.Arg339Trp (NM_001300899.2, NM_001368136.1, NM_001368137.1 and 2 more transcripts); c.1000C>T, p.Arg334Trp (NM_001368138.1); short protein forms R334W, R339W.
Identifiers: ClinVar variation 1207965 (VCV001207965.4), dbSNP rs1443534092, ClinGen allele CA364755143.

ClinVar aggregate classification (germline): Uncertain significance (1 of 4 stars; one submission).

Allele frequency attached by ClinVar (database versions not stated): gnomAD exomes below 0.00001.
gnomAD v4.1: 5 of 1,613,810 alleles (0.00031%); highest among the groups gnomAD compares: South Asian, 0.0011%; no homozygotes.

Submission:

GeneDx
Classification: Uncertain significance. Last evaluated: 2024-12-11. Review status: criteria provided, single submitter. Criteria: GeneDx Variant Classification Process June 2021. Collection method: clinical testing. Allele origin: germline. Affected: yes.
Comment: Identified with a second MYO6 variant (phase unknown) in a patient with hearing loss in published literature (PMID: 23767834); Not observed at significant frequency in large population cohorts (gnomAD); In silico analysis supports that this missense variant has a deleterious effect on protein structure/function; This variant is associated with the following publications: (PMID: 29044474, 23767834, 34824372)